The following is an entry in ClinVar:

ClinVar aggregate classification (germline): Conflicting classifications of pathogenicity. Review status: criteria provided, conflicting classifications (1 of 4 stars). 5 submissions from 5 submitters: Uncertain significance (4); Likely benign (1). Last evaluated 2025-10-26.

Conditions:
Dilated cardiomyopathy 1DD (CMD1DD). Identifiers: Orphanet 154, MedGen C2750995, MONDO:0013168, OMIM 613172.
Cardiovascular phenotype. Identifiers: MedGen CN230736.

Allele frequency attached by ClinVar (database versions not stated): gnomAD exomes 0.00001; gnomAD 0.00002; TOPMed 0.00004.
gnomAD v4.1: 89 of 1,551,636 alleles (0.0057%); highest among the groups gnomAD compares: Non-Finnish European, 0.0065%; no homozygotes.

Submissions (5):

Labcorp Genetics (formerly Invitae), Labcorp
Classification: Uncertain significance for Dilated cardiomyopathy 1DD. Last evaluated: 2025-10-26. Review status: criteria provided, single submitter. Criteria: Invitae Variant Classification Sherloc (09022015). Collection method: clinical testing. Allele origin: germline.
Comment: This sequence change replaces valine, which is neutral and non-polar, with methionine, which is neutral and non-polar, at codon 922 of the RBM20 protein (p.Val922Met). This variant is present in population databases (no rsID available, gnomAD 0.002%). This variant has not been reported in the literature in individuals affected with RBM20-related conditions. ClinVar contains an entry for this variant (Variation ID: 658408). Invitae Evidence Modeling of protein sequence and biophysical properties (such as structural, functional, and spatial information, amino acid conservation, physicochemical variation, residue mobility, and thermodynamic stability) indicates that this missense variant is not expected to disrupt RBM20 protein function with a negative predictive value of 95%. In summary, the available evidence is currently insufficient to determine the role of this variant in disease. Therefore, it has been classified as a Variant of Uncertain Significance.

GeneDx
Classification: Uncertain significance. Last evaluated: 2023-05-31. Review status: criteria provided, single submitter. Criteria: GeneDx Variant Classification Process June 2021. Collection method: clinical testing. Allele origin: germline. Affected: yes.
Comment: Has not been previously published as pathogenic or benign to our knowledge; Not observed at significant frequency in large population cohorts (gnomAD); In silico analysis supports that this missense variant does not alter protein structure/function

Mayo Clinic Laboratories, Mayo Clinic
Classification: Uncertain significance. Last evaluated: 2022-09-21. Review status: criteria provided, single submitter. Criteria: ACMG Guidelines, 2015. Collection method: clinical testing. Allele origin: germline. Observed: 1 variant allele.
Comment: BP4

Department of Pathology and Laboratory Medicine, Sinai Health System
Classification: Uncertain significance for Dilated cardiomyopathy 1DD. Last evaluated: 2021-11-15. Review status: criteria provided, single submitter. Criteria: ACMG Guidelines, 2015. Collection method: research. Allele origin: germline.

Ambry Genetics
Classification: Likely benign for Cardiovascular phenotype. Last evaluated: 2021-03-25. Review status: criteria provided, single submitter. Criteria: Ambry Variant Classification Scheme 2023. Collection method: clinical testing. Allele origin: germline.

NM_001134363.3(RBM20):c.2764G>A (p.Val922Met)

Gene: RBM20 (RNA binding motif protein 20; plus strand). Cytogenetic location: 10q25.2.
Variant type: single nucleotide variant.
Coding change: c.2764G>A on transcript NM_001134363.3 (MANE Select); coding-DNA position 2764, G replaced by A.
Protein change: p.Val922Met; replaces valine 922 with methionine.
Molecular consequence: missense variant.
Genome position (GRCh38, 1-based): chr10:110,821,383, G>A. VCF-style: chr10-110821383-G-A. GRCh37 (hg19) VCF-style: chr10-112581141-G-A.
Other names: p.Val922Met; short protein forms V922M.
Identifiers: ClinVar variation 658408 (VCV000658408.10), dbSNP rs947100716, ClinGen allele CA213229405.